The following is an entry in ClinVar:

ClinVar aggregate classification (germline): Likely benign (1 of 4 stars; one submission).

Submission:

CeGaT Center for Human Genetics Tuebingen
Classification: Likely benign. Last evaluated: 2025-12-01. Review status: criteria provided, single submitter. Criteria: CeGaT Center For Human Genetics Tuebingen Variant Classification Criteria Version 2. Collection method: clinical testing. Allele origin: germline. Affected: yes. Observed: 1 variant allele.
Comment: P2RX2: BP4, BP7

NM_170682.4(P2RX2):c.1230C>A (p.Ser410=)

Gene: P2RX2 (purinergic receptor P2X 2; plus strand). Cytogenetic location: 12q24.33.
Variant type: single nucleotide variant.
Coding change: c.1230C>A on transcript NM_170682.4 (MANE Select); coding-DNA position 1230, C replaced by A.
Protein change: p.Ser410=; no amino-acid change (serine 410 retained).
Molecular consequence: synonymous variant. On other transcripts: 3 prime UTR variant (1), intron variant (2).
Genome position (GRCh38, 1-based): chr12:132,621,786, C>A. VCF-style: chr12-132621786-C-A. GRCh37 (hg19) VCF-style: chr12-133198372-C-A.
Other names: c.*277C>A (NM_001282165.2); c.1014C>A, p.Ser338= (NM_012226.5); c.1158C>A, p.Ser386= (NM_016318.4); c.1308C>A, p.Ser436= (NM_170683.4); c.954C>A, p.Ser318= (NM_174872.3); c.1140+90C>A (NM_174873.3); c.1038+90C>A (NM_001282164.2).
Identifiers: ClinVar variation 4681670 (VCV004681670.5).
Genomic context (GRCh38, chr12:132,621,786, plus strand): 5'-CTGGCCTGTGACCCTTGCCCGTGTATTGGGCCAGGCCCCTCCCGAACCCGGCCACCGCTC[C>A]GAGGACCAGCACCCCAGCCCTCCATCAGGCCAGGAGGGCCAACAAGGGGCAGAGTGTGGC-3'
Protein context (NP_733782.1, residues 400-420): GQAPPEPGHR[Ser410=]EDQHPSPPSG